The following is an entry in ClinVar:

NM_001037.5(SCN1B):c.448+36C>T

Gene: SCN1B (sodium voltage-gated channel beta subunit 1; plus strand). Cytogenetic location: 19q13.11.
Variant type: single nucleotide variant.
Coding change: c.448+36C>T on transcript NM_001037.5 (MANE Select); 36 bases into the intron after coding-DNA position 448, C replaced by T.
Molecular consequence: intron variant. On other transcripts: missense variant (1).
Genome position (GRCh38, 1-based): chr19:35,033,775, C>T. VCF-style: chr19-35033775-C-T. GRCh37 (hg19) VCF-style: chr19-35524679-C-T.
Other names: c.484C>T, p.His162Tyr (NM_199037.5); c.349+36C>T (NM_001321605.2); short protein forms H162Y.
Identifiers: ClinVar variation 2915927 (VCV002915927.3), dbSNP rs993431493, ClinGen allele CA307703726.

ClinVar aggregate classification (germline): Uncertain significance (1 of 4 stars; one submission).

Conditions:
Brugada syndrome 5 (BRGDA5). Identifiers: Orphanet 130, Orphanet 871, MedGen C2748541, MONDO:0013015, OMIM 612838.

Allele frequency attached by ClinVar (database versions not stated): gnomAD exomes below 0.00001; TOPMed 0.00001.

Submission:

Labcorp Genetics (formerly Invitae), Labcorp
Classification: Uncertain significance for Brugada syndrome 5. Last evaluated: 2023-01-02. Review status: criteria provided, single submitter. Criteria: Invitae Variant Classification Sherloc (09022015). Collection method: clinical testing. Allele origin: germline.
Comment: This sequence change replaces histidine, which is basic and polar, with tyrosine, which is neutral and polar, at codon 162 of the SCN1B protein (p.His162Tyr). This variant is not present in population databases (gnomAD no frequency). This variant has not been reported in the literature in individuals affected with SCN1B-related conditions. Algorithms developed to predict the effect of missense changes on protein structure and function (SIFT, PolyPhen-2, Align-GVGD) all suggest that this variant is likely to be tolerated. In summary, the available evidence is currently insufficient to determine the role of this variant in disease. Therefore, it has been classified as a Variant of Uncertain Significance.